The following is an entry in ClinVar:

NM_000171.4(GLRA1):c.1072G>A (p.Gly358Arg)

Gene: GLRA1 (glycine receptor alpha 1; minus strand). Cytogenetic location: 5q33.1.
Variant type: single nucleotide variant.
Coding change: c.1072G>A on transcript NM_000171.4 (MANE Select); coding-DNA position 1072, G replaced by A.
Protein change: p.Gly358Arg; replaces glycine 358 with arginine.
Molecular consequence: missense variant.
Genome position (GRCh38, 1-based): chr5:151,822,951, C>T on the plus strand (G>A on the coding strand, the complement: GLRA1 is on the minus strand). VCF-style: chr5-151822951-C-T. GRCh37 (hg19) VCF-style: chr5-151202512-C-T.
Other names: c.1096G>A, p.Gly366Arg (NM_001146040.2); c.823G>A, p.Gly275Arg (NM_001292000.2); short protein forms G275R, G358R, G366R.
Identifiers: ClinVar variation 1040710 (VCV001040710.9), dbSNP rs774175391, ClinGen allele CA3523515.

ClinVar aggregate classification (germline): Uncertain significance. Review status: criteria provided, multiple submitters, no conflicts (2 of 4 stars). 2 submissions from 2 submitters: Uncertain significance (2). Last evaluated 2026-06-18.

Conditions:
Hereditary hyperekplexia. Identifiers: Orphanet 3197, MedGen C4084968, MONDO:0021022.

Allele frequency attached by ClinVar (database versions not stated): gnomAD exomes below 0.00001 and 0.00001; ExAC 0.00002; TOPMed 0.00002; gnomAD 0.00003.
gnomAD v4.1: 7 of 1,606,540 alleles (0.00044%); highest among the groups gnomAD compares: African/African-American, 0.008%; no homozygotes.

Submissions (2):

Women's Health and Genetics/Laboratory Corporation of America, LabCorp
Classification: Uncertain significance. Last evaluated: 2026-06-18. Review status: criteria provided, single submitter. Criteria: LabCorp Variant Classification Summary - May 2015. Collection method: clinical testing. Allele origin: germline.
Comment: Variant summary: GLRA1 c.1072G>A (p.Gly358Arg) results in a non-conservative amino acid change in the encoded protein sequence. Algorithms developed to predict the effect of missense changes on protein structure and function are either unavailable or do not agree on the potential impact of this missense change. The variant allele was found at a frequency of 1.2e-05 in 246138 control chromosomes. The available data on variant occurrences in the general population are insufficient to allow any conclusion about variant significance. To our knowledge, no occurrence of c.1072G>A in individuals affected with GLRA1-related conditions and no experimental evidence demonstrating its impact on protein function have been reported. ClinVar contains an entry for this variant (Variation ID: 1040710). Based on the evidence outlined above, the variant was classified as uncertain significance.

Labcorp Genetics (formerly Invitae), Labcorp
Classification: Uncertain significance for Hereditary hyperekplexia. Last evaluated: 2024-06-26. Review status: criteria provided, single submitter. Criteria: Invitae Variant Classification Sherloc (09022015). Collection method: clinical testing. Allele origin: germline.
Comment: This sequence change replaces glycine, which is neutral and non-polar, with arginine, which is basic and polar, at codon 358 of the GLRA1 protein (p.Gly358Arg). This variant is present in population databases (rs774175391, gnomAD 0.02%). This variant has not been reported in the literature in individuals affected with GLRA1-related conditions. ClinVar contains an entry for this variant (Variation ID: 1040710). Advanced modeling of protein sequence and biophysical properties (such as structural, functional, and spatial information, amino acid conservation, physicochemical variation, residue mobility, and thermodynamic stability) performed at Invitae indicates that this missense variant is not expected to disrupt GLRA1 protein function with a negative predictive value of 95%. In summary, the available evidence is currently insufficient to determine the role of this variant in disease. Therefore, it has been classified as a Variant of Uncertain Significance.